The following is an entry in ClinVar:

ClinVar aggregate classification (germline): Uncertain significance (1 of 4 stars; one submission).

Conditions:
Aicardi-Goutieres syndrome 4. Identifiers: Orphanet 51, MedGen C1835912, MONDO:0012472, OMIM 610333.

Allele frequency attached by ClinVar (database versions not stated): ExAC 0.00001.
gnomAD v4.1: 1 of 1,614,152 alleles (0.000062%); highest among the groups gnomAD compares: Admixed American, 0.0017%; no homozygotes.

Submission:

Labcorp Genetics (formerly Invitae), Labcorp
Classification: Uncertain significance for Aicardi-Goutieres syndrome 4. Last evaluated: 2021-08-31. Review status: criteria provided, single submitter. Criteria: Invitae Variant Classification Sherloc (09022015). Collection method: clinical testing. Allele origin: germline.
Comment: This sequence change replaces leucine with valine at codon 54 of the RNASEH2A protein (p.Leu54Val). The leucine residue is moderately conserved and there is a small physicochemical difference between leucine and valine. This variant is present in population databases (rs771789854, ExAC 0.009%). This variant has not been reported in the literature in individuals affected with RNASEH2A-related conditions. Algorithms developed to predict the effect of missense changes on protein structure and function output the following: SIFT: "Tolerated"; PolyPhen-2: "Benign"; Align-GVGD: "Class C0". The valine amino acid residue is found in multiple mammalian species, which suggests that this missense change does not adversely affect protein function. In summary, the available evidence is currently insufficient to determine the role of this variant in disease. Therefore, it has been classified as a Variant of Uncertain Significance.

NM_006397.3(RNASEH2A):c.160C>G (p.Leu54Val)

Gene: RNASEH2A (ribonuclease H2 subunit A; plus strand). Cytogenetic location: 19p13.13.
Variant type: single nucleotide variant.
Coding change: c.160C>G on transcript NM_006397.3 (MANE Select); coding-DNA position 160, C replaced by G.
Protein change: p.Leu54Val; replaces leucine 54 with valine.
Molecular consequence: missense variant.
Genome position (GRCh38, 1-based): chr19:12,807,040, C>G. VCF-style: chr19-12807040-C-G. GRCh37 (hg19) VCF-style: chr19-12917854-C-G.
Other names: short protein forms L54V.
Identifiers: ClinVar variation 861574 (VCV000861574.7), dbSNP rs771789854, ClinGen allele CA9231759.